The following is an entry in ClinVar:

NM_001397406.1(FDX2):c.106G>T (p.Gly36Trp)

Genes: FDX2 (ferredoxin 2; minus strand), FDX2-ZGLP1 (FDX2-ZGLP1 readthrough (NMD candidate); minus strand). Cytogenetic location: 19p13.2.
Variant type: single nucleotide variant.
Coding change: c.106G>T on transcript NM_001397406.1 (MANE Select); coding-DNA position 106, G replaced by T.
Protein change: p.Gly36Trp; replaces glycine 36 with tryptophan.
Molecular consequence: missense variant.
Genome position (GRCh38, 1-based): chr19:10,315,891, C>A on the plus strand (G>T on the coding strand, the complement: FDX2 is on the minus strand). VCF-style: chr19-10315891-C-A. GRCh37 (hg19) VCF-style: chr19-10426567-C-A.
Other names: short protein forms G36W.
Identifiers: ClinVar variation 1516253 (VCV001516253.8), dbSNP rs1314708743, ClinGen allele CA403979317.

ClinVar aggregate classification (germline): Uncertain significance (1 of 4 stars; one submission).

Allele frequency attached by ClinVar (database versions not stated): gnomAD exomes below 0.00001.
gnomAD v4.1: 1 of 1,602,438 alleles (0.000062%); highest among the groups gnomAD compares: Admixed American, 0.0018%; no homozygotes.

Submission:

Labcorp Genetics (formerly Invitae), Labcorp
Classification: Uncertain significance. Last evaluated: 2022-03-09. Review status: criteria provided, single submitter. Criteria: Invitae Variant Classification Sherloc (09022015). Collection method: clinical testing. Allele origin: germline.
Comment: In summary, the available evidence is currently insufficient to determine the role of this variant in disease. Therefore, it has been classified as a Variant of Uncertain Significance. Algorithms developed to predict the effect of missense changes on protein structure and function are either unavailable or do not agree on the potential impact of this missense change (SIFT: "Deleterious"; PolyPhen-2: "Not Available"; Align-GVGD: "Class C0"). This variant has not been reported in the literature in individuals affected with FDX2-related conditions. The frequency data for this variant in the population databases is considered unreliable, as metrics indicate poor data quality at this position in the gnomAD database. This sequence change replaces glycine, which is neutral and non-polar, with tryptophan, which is neutral and slightly polar, at codon 39 of the FDX2 protein (p.Gly39Trp).